The following is an entry in ClinVar:

NM_020949.3(SLC7A14):c.1288C>T (p.Arg430Ter)

Genes: SLC7A14 (solute carrier family 7 member 14; minus strand), SLC7A14-AS1 (SLC7A14 antisense RNA 1; plus strand). Cytogenetic location: 3q26.2.
Variant type: single nucleotide variant.
Coding change: c.1288C>T on transcript NM_020949.3 (MANE Select); coding-DNA position 1288, C replaced by T.
Protein change: p.Arg430Ter; replaces arginine 430 with a stop codon.
Molecular consequence: nonsense.
Genome position (GRCh38, 1-based): chr3:170,480,994, G>A on the plus strand (C>T on the coding strand, the complement: SLC7A14 is on the minus strand). VCF-style: chr3-170480994-G-A. GRCh37 (hg19) VCF-style: chr3-170198783-G-A.
Other names: short protein forms R430*.
Identifiers: ClinVar variation 3002315 (VCV003002315.3), dbSNP rs1316436990, ClinGen allele CA355490847.

ClinVar aggregate classification (germline): Uncertain significance (1 of 4 stars; one submission).

Allele frequency attached by ClinVar (database versions not stated): gnomAD exomes below 0.00001; TOPMed below 0.00001; gnomAD 0.00001.
gnomAD v4.1: 3 of 1,613,942 alleles (0.00019%); highest among the groups gnomAD compares: Non-Finnish European, 0.00025%; no homozygotes.

Submission:

Labcorp Genetics (formerly Invitae), Labcorp
Classification: Uncertain significance. Last evaluated: 2023-11-17. Review status: criteria provided, single submitter. Criteria: Invitae Variant Classification Sherloc (09022015). Collection method: clinical testing. Allele origin: germline.
Comment: This sequence change creates a premature translational stop signal (p.Arg430*) in the SLC7A14 gene. It is expected to result in an absent or disrupted protein product. However, the current clinical and genetic evidence is not sufficient to establish whether loss-of-function variants in SLC7A14 cause disease. This variant is not present in population databases (gnomAD no frequency). This variant has not been reported in the literature in individuals affected with SLC7A14-related conditions. In summary, the available evidence is currently insufficient to determine the role of this variant in disease. Therefore, it has been classified as a Variant of Uncertain Significance.